The following is an entry in ClinVar:

NM_000257.4(MYH7):c.1373G>A (p.Gly458Glu)

Gene: MYH7 (myosin heavy chain 7; minus strand). Cytogenetic location: 14q11.2.
Variant type: single nucleotide variant.
Coding change: c.1373G>A on transcript NM_000257.4 (MANE Select); coding-DNA position 1373, G replaced by A.
Protein change: p.Gly458Glu; replaces glycine 458 with glutamic acid.
Molecular consequence: missense variant.
Genome position (GRCh38, 1-based): chr14:23,428,989, C>T on the plus strand (G>A on the coding strand, the complement: MYH7 is on the minus strand). VCF-style: chr14-23428989-C-T. GRCh37 (hg19) VCF-style: chr14-23898198-C-T.
Other names: c.1373G>A, p.Gly458Glu (NM_001407004.1); short protein forms G458E.
Identifiers: ClinVar variation 3073988 (VCV003073988.2), dbSNP rs1595086725, ClinGen allele CA389050761.

ClinVar aggregate classification (germline): Uncertain significance. Review status: criteria provided, multiple submitters, no conflicts (2 of 4 stars). 2 submissions from 2 submitters: Uncertain significance (2). Last evaluated 2023-11-30.

Conditions:
Cardiomyopathy (CMYO). Also called: Cardiomyopathies. Identifiers: Orphanet 167848, MedGen C0878544, MONDO:0004994, HP:0001638. Inheritance: Various modes of inheritance.

Submissions (2):

All of Us Research Program, National Institutes of Health
Classification: Uncertain significance for Cardiomyopathy. Last evaluated: 2023-11-30. Review status: criteria provided, single submitter. Criteria: ACMG Guidelines, 2015. Collection method: clinical testing. Allele origin: germline. Inheritance: Autosomal dominant inheritance. Observed: 1 variant allele, 1 heterozygote.
Comment: This study involves interpretation of variants in research participants for the purpose of population health screening. Participant phenotype was not available at the time of variant classification. Additional details can be found in publication PMID: 35346344, PMCID: PMC8962531

Blueprint Genetics
Classification: Uncertain significance. Last evaluated: 2021-04-19. Review status: criteria provided, single submitter. Criteria: ACMG Guidelines, 2015. Collection method: clinical testing. Allele origin: germline.